The following is an entry in ClinVar:

ClinVar aggregate classification (germline): Uncertain significance. Review status: criteria provided, multiple submitters, no conflicts (2 of 4 stars). 2 submissions from 2 submitters: Uncertain significance (2). Last evaluated 2025-07-10.

Allele frequency attached by ClinVar (database versions not stated): TOPMed below 0.00001; ExAC 0.00001; gnomAD exomes 0.00001.
gnomAD v4.1: 9 of 1,614,086 alleles (0.00056%); highest among the groups gnomAD compares: Middle Eastern, 0.016%; no homozygotes.

Submissions (2):

Labcorp Genetics (formerly Invitae), Labcorp
Classification: Uncertain significance. Last evaluated: 2025-07-10. Review status: criteria provided, single submitter. Criteria: Invitae Variant Classification Sherloc (09022015). Collection method: clinical testing. Allele origin: germline.
Comment: This sequence change replaces phenylalanine, which is neutral and non-polar, with tyrosine, which is neutral and polar, at codon 154 of the KRT74 protein (p.Phe154Tyr). This variant is present in population databases (rs754032340, gnomAD 0.002%). This variant has not been reported in the literature in individuals affected with KRT74-related conditions. ClinVar contains an entry for this variant (Variation ID: 1922890). Invitae Evidence Modeling of protein sequence and biophysical properties (such as structural, functional, and spatial information, amino acid conservation, physicochemical variation, residue mobility, and thermodynamic stability) has been performed for this missense variant. However, the output from this modeling did not meet the statistical confidence thresholds required to predict the impact of this variant on KRT74 protein function. In summary, the available evidence is currently insufficient to determine the role of this variant in disease. Therefore, it has been classified as a Variant of Uncertain Significance.

Ambry Genetics
Classification: Uncertain significance. Last evaluated: 2023-12-27. Review status: criteria provided, single submitter. Criteria: Ambry Variant Classification Scheme 2023. Collection method: clinical testing. Allele origin: germline.

NM_175053.4(KRT74):c.461T>A (p.Phe154Tyr)

Gene: KRT74 (keratin 74; minus strand). Cytogenetic location: 12q13.13.
Variant type: single nucleotide variant.
Coding change: c.461T>A on transcript NM_175053.4 (MANE Select); coding-DNA position 461, T replaced by A.
Protein change: p.Phe154Tyr; replaces phenylalanine 154 with tyrosine.
Molecular consequence: missense variant.
Genome position (GRCh38, 1-based): chr12:52,573,317, A>T on the plus strand (T>A on the coding strand, the complement: KRT74 is on the minus strand). VCF-style: chr12-52573317-A-T. GRCh37 (hg19) VCF-style: chr12-52967101-A-T.
Other names: c.461T>A (NM_175053.3); short protein forms F154Y.
Identifiers: ClinVar variation 1922890 (VCV001922890.6), dbSNP rs754032340, ClinGen allele CA6584102.